The following is an entry in ClinVar:

ClinVar aggregate classification (germline): Uncertain significance (1 of 4 stars; one submission).

Submission:

Labcorp Genetics (formerly Invitae), Labcorp
Classification: Uncertain significance. Last evaluated: 2021-09-09. Review status: criteria provided, single submitter. Criteria: Invitae Variant Classification Sherloc (09022015). Collection method: clinical testing. Allele origin: germline.
Comment: This sequence change replaces threonine with isoleucine at codon 484 of the RUSC2 protein (p.Thr484Ile). The threonine residue is moderately conserved and there is a moderate physicochemical difference between threonine and isoleucine. In summary, the available evidence is currently insufficient to determine the role of this variant in disease. Therefore, it has been classified as a Variant of Uncertain Significance. Algorithms developed to predict the effect of missense changes on protein structure and function output the following: SIFT: "Tolerated"; PolyPhen-2: "Benign"; Align-GVGD: "Class C0". The isoleucine amino acid residue is found in multiple mammalian species, which suggests that this missense change does not adversely affect protein function. This variant has not been reported in the literature in individuals affected with RUSC2-related conditions. This variant is not present in population databases (ExAC no frequency).

NM_014806.5(RUSC2):c.1451C>T (p.Thr484Ile)

Gene: RUSC2 (RUN and SH3 domain containing 2; plus strand). Cytogenetic location: 9p13.3.
Variant type: single nucleotide variant.
Coding change: c.1451C>T on transcript NM_014806.5 (MANE Select); coding-DNA position 1451, C replaced by T.
Protein change: p.Thr484Ile; replaces threonine 484 with isoleucine.
Molecular consequence: missense variant. On other transcripts: non-coding transcript variant (1), intron variant (1).
Genome position (GRCh38, 1-based): chr9:35,547,972, C>T. VCF-style: chr9-35547972-C-T. GRCh37 (hg19) VCF-style: chr9-35547969-C-T.
Other names: c.1451C>T, p.Thr484Ile (NM_001135999.2); c.-620-7088C>T (NM_001330740.2); short protein forms T484I.
Identifiers: ClinVar variation 1426353 (VCV001426353.6), dbSNP rs2132554190, ClinGen allele CA373333241.